The following is an entry in ClinVar:

ClinVar aggregate classification (germline): Benign/Likely benign. Review status: criteria provided, multiple submitters, no conflicts (2 of 4 stars). 13 submissions from 12 submitters: Benign (7); Likely benign (6). Last evaluated 2026-06-01.

Conditions:
Birt-Hogg-Dube syndrome. Also called: Birt Hogg Dubé syndrome. Identifiers: Orphanet 122, MedGen C0346010, MONDO:0800444.
Familial spontaneous pneumothorax (PSP). Identifiers: Orphanet 2903, MedGen C1868193, MONDO:0008259, OMIM 173600.
17p11.2 microduplication syndrome (PTLS). Also called: CHROMOSOME 17p11.2 DUPLICATION SYNDROME; Potocki-Lupski syndrome; Duplication 17p11.2 syndrome; Potocki-Lupski syndrome (dup(17)(p11.2p11.2)). Identifiers: Orphanet 1713, MedGen C2931246, MONDO:0012574, OMIM 610883.
Nonpapillary renal cell carcinoma. Identifiers: Orphanet 422526, MedGen CN074294, MONDO:0007763, OMIM 144700.
Colorectal cancer. Also called: Malignant Colorectal Neoplasm; Colorectal cancer, somatic. Identifiers: MedGen C0346629, MONDO:0005575, OMIM 114500.
Birt-Hogg-Dube syndrome 1 (BHD1). Also called: FIBROFOLLICULOMAS WITH TRICHODISCOMAS AND ACROCHORDONS. Identifiers: Orphanet 122, MedGen CN375946, MONDO:0800445, OMIM 135150.
Hereditary cancer-predisposing syndrome. Also called: Tumor predisposition; Hereditary neoplastic syndrome; Hereditary Cancer Syndrome; Neoplastic Syndromes, Hereditary. Identifiers: Orphanet 140162, MedGen C0027672, MeSH D009386, MONDO:0015356.

Allele frequency attached by ClinVar (database versions not stated): gnomAD below 0.00001 and 0.00016; TOPMed 0.00003; gnomAD exomes 0.00024 and 0.00057; ExAC 0.00057; 1000 Genomes Project 0.00180; 1000 Genomes Project 30x 0.00187.
gnomAD v4.1: 389 of 1,613,766 alleles (0.024%); highest among the groups gnomAD compares: South Asian, 0.4%; 3 homozygotes.

Submissions (13):

CeGaT Center for Human Genetics Tuebingen
Classification: Likely benign. Last evaluated: 2026-06-01. Review status: criteria provided, single submitter. Criteria: CeGaT Center For Human Genetics Tuebingen Variant Classification Criteria Version 2. Collection method: clinical testing. Allele origin: germline. Affected: yes. Observed: 2 variant alleles.
Comment: FLCN: BP4, BP7, BS1

Labcorp Genetics (formerly Invitae), Labcorp
Classification: Benign for Birt-Hogg-Dube syndrome. Last evaluated: 2026-02-04. Review status: criteria provided, single submitter. Criteria: Invitae Variant Classification Sherloc (09022015). Collection method: clinical testing. Allele origin: germline.

Center for Genomic Medicine, Rigshospitalet, Copenhagen University Hospital
Classification: Likely benign. Last evaluated: 2025-03-04. Review status: criteria provided, single submitter. Criteria: ACMG Guidelines, 2015. Collection method: clinical testing. Allele origin: germline.

KCCC/NGS Laboratory, Kuwait Cancer Control Center
Classification: Benign for Birt-Hogg-Dube syndrome 1. Last evaluated: 2025-02-01. Review status: criteria provided, single submitter. Criteria: ACMG Guidelines, 2015. Collection method: clinical testing. Allele origin: germline. Affected: no.

Myriad Genetics, Inc.
Classification: Benign for Birt-Hogg-Dube syndrome 1. Last evaluated: 2024-10-22. Review status: criteria provided, single submitter. Criteria: Myriad Autosomal Dominant, Autosomal Recessive and X-Linked Classification Criteria (2023). Collection method: clinical testing. Allele origin: unknown.
Comment: This variant is considered benign. This variant is a silent/synonymous amino acid change and it is not expected to impact splicing.

Quest Diagnostics Nichols Institute San Juan Capistrano
Classification: Benign. Last evaluated: 2022-11-17. Review status: criteria provided, single submitter. Criteria: Quest Diagnostics criteria. Collection method: clinical testing. Allele origin: unknown.

Sema4
Classification: Likely benign for Hereditary cancer-predisposing syndrome. Last evaluated: 2022-03-11. Review status: criteria provided, single submitter. Criteria: Sema4 Curation Guidelines. Collection method: curation. Allele origin: germline.

Fulgent Genetics
Classification: Benign for Colorectal cancer; Birt-Hogg-Dube syndrome 1; Nonpapillary renal cell carcinoma; Familial spontaneous pneumothorax; 17p11.2 microduplication syndrome. Last evaluated: 2022-02-25. Review status: criteria provided, single submitter. Criteria: ACMG Guidelines, 2015. Collection method: clinical testing. Allele origin: unknown.

GeneDx
Classification: Likely benign. Last evaluated: 2020-06-11. Review status: criteria provided, single submitter. Criteria: GeneDx Variant Classification Process June 2021. Collection method: clinical testing. Allele origin: germline. Affected: yes.

Illumina Laboratory Services, Illumina
Classification: Benign for Birt-Hogg-Dube syndrome 1. Last evaluated: 2018-01-12. Review status: criteria provided, single submitter. Criteria: ICSL Variant Classification Criteria 13 December 2019. Collection method: clinical testing. Allele origin: germline.
Comment: This variant was observed in the ICSL laboratory as part of a predisposition screen in an ostensibly healthy population. It had not been previously curated by ICSL or reported in the Human Gene Mutation Database (HGMD: prior to June 1st, 2018), and was therefore a candidate for classification through an automated scoring system. Utilizing variant allele frequency, disease prevalence and penetrance estimates, and inheritance mode, an automated score was calculated to assess if this variant is too frequent to cause the disease. Based on the score and internal cut-off values, a variant classified as benign is not then subjected to further curation. The score for this variant resulted in a classification of benign for this disease.

Illumina Laboratory Services, Illumina
Classification: Likely benign for Familial spontaneous pneumothorax. Last evaluated: 2018-01-12. Review status: criteria provided, single submitter. Criteria: ICSL Variant Classification Criteria 13 December 2019. Collection method: clinical testing. Allele origin: germline.
Comment: This variant was observed in the ICSL laboratory as part of a predisposition screen in an ostensibly healthy population. It had not been previously curated by ICSL or reported in the Human Gene Mutation Database (HGMD: prior to June 1st, 2018), and was therefore a candidate for classification through an automated scoring system. Utilizing variant allele frequency, disease prevalence and penetrance estimates, and inheritance mode, an automated score was calculated to assess if this variant is too frequent to cause the disease. Based on the score and internal cut-off values, a variant classified as likely benign is not then subjected to further curation. The score for this variant resulted in a classification of likely benign for this disease.

ARUP Laboratories, Molecular Genetics and Genomics, ARUP Laboratories
Classification: Benign. Last evaluated: 2017-09-06. Review status: criteria provided, single submitter. Criteria: ARUP Molecular Germline Variant Investigation Process. Collection method: clinical testing. Allele origin: germline.

Ambry Genetics
Classification: Likely benign for Hereditary cancer-predisposing syndrome. Last evaluated: 2015-06-09. Review status: criteria provided, single submitter. Criteria: Ambry Variant Classification Scheme 2023. Collection method: clinical testing. Allele origin: germline.

NM_144997.7(FLCN):c.75G>A (p.Leu25=)

Gene: FLCN (folliculin; minus strand). Cytogenetic location: 17p11.2.
Variant type: single nucleotide variant.
Coding change: c.75G>A on transcript NM_144997.7 (MANE Select); coding-DNA position 75, G replaced by A.
Protein change: p.Leu25=; no amino-acid change (leucine 25 retained).
Molecular consequence: synonymous variant.
Genome position (GRCh38, 1-based): chr17:17,228,063, C>T on the plus strand (G>A on the coding strand, the complement: FLCN is on the minus strand). VCF-style: chr17-17228063-C-T. GRCh37 (hg19) VCF-style: chr17-17131377-C-T.
Other names: c.75G>A (LRG_325t1, NM_144997.6); c.75G>A, p.Leu25= (NM_001353229.2, NM_001353230.2, NM_001353231.2 and 1 more transcripts).
Identifiers: ClinVar variation 415620 (VCV000415620.47), dbSNP rs200350612, ClinGen allele CA8416526.